The following is an entry in ClinVar:

ClinVar aggregate classification (germline): Uncertain significance (1 of 4 stars; one submission).

Conditions:
Fanconi anemia complementation group E (FANCE). Also called: FANCE-Related Fanconi Anemia. Identifiers: Orphanet 84, MedGen C3160739, MONDO:0010953, OMIM 600901.

Submission:

Labcorp Genetics (formerly Invitae), Labcorp
Classification: Uncertain significance for Fanconi anemia complementation group E. Last evaluated: 2021-07-25. Review status: criteria provided, single submitter. Criteria: Invitae Variant Classification Sherloc (09022015). Collection method: clinical testing. Allele origin: germline.
Comment: This sequence change replaces arginine with leucine at codon 460 of the FANCE protein (p.Arg460Leu). The arginine residue is moderately conserved and there is a moderate physicochemical difference between arginine and leucine. This variant is not present in population databases (ExAC no frequency). This variant has not been reported in the literature in individuals affected with FANCE-related conditions. In summary, the available evidence is currently insufficient to determine the role of this variant in disease. Therefore, it has been classified as a Variant of Uncertain Significance. Algorithms developed to predict the effect of missense changes on protein structure and function are either unavailable or do not agree on the potential impact of this missense change (SIFT: "Tolerated"; PolyPhen-2: "Possibly Damaging"; Align-GVGD: "Class C15").

NM_021922.3(FANCE):c.1379G>T (p.Arg460Leu)

Gene: FANCE (FA complementation group E; plus strand). Cytogenetic location: 6p21.31.
Variant type: single nucleotide variant.
Coding change: c.1379G>T on transcript NM_021922.3 (MANE Select); coding-DNA position 1379, G replaced by T.
Protein change: p.Arg460Leu; replaces arginine 460 with leucine.
Molecular consequence: missense variant.
Genome position (GRCh38, 1-based): chr6:35,460,614, G>T. VCF-style: chr6-35460614-G-T. GRCh37 (hg19) VCF-style: chr6-35428391-G-T.
Other names: short protein forms R460L.
Identifiers: ClinVar variation 1489670 (VCV001489670.8), dbSNP rs541746126, ClinGen allele CA363777809.